The following is an entry in ClinVar:

ClinVar aggregate classification (germline): Uncertain significance. Review status: criteria provided, multiple submitters, no conflicts (2 of 4 stars). 2 submissions from 2 submitters: Uncertain significance (2). Last evaluated 2016-12-25.

Conditions:
Dilated cardiomyopathy 1G (CMD1G). Identifiers: Orphanet 154, MedGen C1858763, MONDO:0011400, OMIM 604145.
Autosomal recessive limb-girdle muscular dystrophy type 2J (LGMDR10). Also called: Limb-girdle muscular dystrophy, type 2J; MUSCULAR DYSTROPHY, LIMB-GIRDLE, AUTOSOMAL RECESSIVE 10. Identifiers: Orphanet 140922, MedGen C1837342, MONDO:0012127, OMIM 608807.

Allele frequency attached by ClinVar (database versions not stated): ExAC 0.00001; gnomAD exomes 0.00001 and 0.00003; TOPMed 0.00001.
gnomAD v4.1: 7 of 1,593,140 alleles (0.00044%); highest among the groups gnomAD compares: African/African-American, 0.0054%; no homozygotes.

Submissions (2):

Labcorp Genetics (formerly Invitae), Labcorp
Classification: Uncertain significance for Dilated cardiomyopathy 1G; Autosomal recessive limb-girdle muscular dystrophy type 2J. Last evaluated: 2016-12-25. Review status: criteria provided, single submitter. Criteria: Invitae Variant Classification Sherloc (09022015). Collection method: clinical testing. Allele origin: germline.

Laboratory for Molecular Medicine, Mass General Brigham Personalized Medicine
Classification: Uncertain significance. Last evaluated: 2012-04-19. Review status: criteria provided, single submitter. Criteria: LMM Criteria. Collection method: clinical testing. Allele origin: germline. Observed: 1 variant allele.
Comment: The 29156-3C>A variant in TTN has not been reported in the literature nor previo usly identified by our laboratory. This variant is located in the 3' splice regi on but does not affect the invariant -1,2 positions. Computational tools predict a possible effect on splicing, though this information is not predictive enough to infer pathogenicity. Additional information is needed to fully assess the cl inical significance of this variant.

NM_001267550.2(TTN):c.32888-3C>A

Gene: TTN (titin; minus strand). Cytogenetic location: 2q31.2.
Variant type: single nucleotide variant.
Coding change: c.32888-3C>A on transcript NM_001267550.2 (MANE Select); 3 bases into the intron before coding-DNA position 32888, C replaced by A.
Molecular consequence: intron variant.
Genome position (GRCh38, 1-based): chr2:178,682,906, G>T on the plus strand (C>A on the coding strand, the complement: TTN is on the minus strand). VCF-style: chr2-178682906-G-T. GRCh37 (hg19) VCF-style: chr2-179547633-G-T.
Other names: c.13283-40589C>A (NM_003319.4); c.13859-40589C>A (NM_133437.4); c.13658-40589C>A (NM_133432.3); c.29156-3C>A (NM_133378.4); c.31937-3C>A (NM_001256850.1).
Identifiers: ClinVar variation 46881 (VCV000046881.7), dbSNP rs397517544, ClinGen allele CA139425.